The following is an entry in ClinVar:

ClinVar aggregate classification (germline): Uncertain significance. Review status: criteria provided, multiple submitters, no conflicts (2 of 4 stars). 2 submissions from 2 submitters: Uncertain significance (2). Last evaluated 2022-05-11.

Conditions:
Fraser syndrome 1 (FRASRS1). Also called: CRYPTOPHTHALMOS WITH OTHER MALFORMATIONS. Identifiers: Orphanet 2052, MedGen C4551480, MONDO:0054737, OMIM 219000.

Allele frequency attached by ClinVar (database versions not stated): gnomAD 0.00001; TOPMed 0.00002.
gnomAD v4.1: 23 of 1,613,458 alleles (0.0014%); highest among the groups gnomAD compares: East Asian, 0.0045%; no homozygotes.

Submissions (2):

Fulgent Genetics
Classification: Uncertain significance for Fraser syndrome 1. Last evaluated: 2022-05-11. Review status: criteria provided, single submitter. Criteria: ACMG Guidelines, 2015. Collection method: clinical testing. Allele origin: unknown.

GeneDx
Classification: Uncertain significance. Last evaluated: 2020-10-28. Review status: criteria provided, single submitter. Criteria: GeneDx Variant Classification Process June 2021. Collection method: clinical testing. Allele origin: germline. Affected: yes.
Comment: In silico analysis supports that this missense variant has a deleterious effect on protein structure/function; Has not been previously published as pathogenic or benign to our knowledge

NM_025074.7(FRAS1):c.8833G>A (p.Gly2945Arg)

Gene: FRAS1 (Fraser extracellular matrix complex subunit 1; plus strand). Cytogenetic location: 4q21.21.
Variant type: single nucleotide variant.
Coding change: c.8833G>A on transcript NM_025074.7 (MANE Select); coding-DNA position 8833, G replaced by A.
Protein change: p.Gly2945Arg; replaces glycine 2945 with arginine.
Molecular consequence: missense variant.
Genome position (GRCh38, 1-based): chr4:78,488,955, G>A. VCF-style: chr4-78488955-G-A. GRCh37 (hg19) VCF-style: chr4-79410109-G-A.
Other names: short protein forms G2945R.
Identifiers: ClinVar variation 1313408 (VCV001313408.3), dbSNP rs771808832, ClinGen allele CA2978505.